The following is an entry in ClinVar:

ClinVar aggregate classification (germline): Uncertain significance (1 of 4 stars; one submission).

gnomAD v4.1: 33 of 1,560,204 alleles (0.0021%); highest among the groups gnomAD compares: Middle Eastern, 0.14%; no homozygotes.

Submission:

Labcorp Genetics (formerly Invitae), Labcorp
Classification: Uncertain significance. Last evaluated: 2023-11-22. Review status: criteria provided, single submitter. Criteria: Invitae Variant Classification Sherloc (09022015). Collection method: clinical testing. Allele origin: germline.
Comment: This sequence change replaces isoleucine, which is neutral and non-polar, with threonine, which is neutral and polar, at codon 225 of the POC5 protein (p.Ile225Thr). This variant is present in population databases (rs773455229, gnomAD 0.04%). This variant has not been reported in the literature in individuals affected with POC5-related conditions. ClinVar contains an entry for this variant (Variation ID: 2086124). An algorithm developed to predict the effect of missense changes on protein structure and function (PolyPhen-2) suggests that this variant is likely to be tolerated. In summary, the available evidence is currently insufficient to determine the role of this variant in disease. Therefore, it has been classified as a Variant of Uncertain Significance.

NM_001099271.2(POC5):c.674T>C (p.Ile225Thr)

Gene: POC5 (POC5 centriolar protein; minus strand). Cytogenetic location: 5q13.3.
Variant type: single nucleotide variant.
Coding change: c.674T>C on transcript NM_001099271.2 (MANE Select); coding-DNA position 674, T replaced by C.
Protein change: p.Ile225Thr; replaces isoleucine 225 with threonine.
Molecular consequence: missense variant.
Genome position (GRCh38, 1-based): chr5:75,694,671, A>G on the plus strand (T>C on the coding strand, the complement: POC5 is on the minus strand). VCF-style: chr5-75694671-A-G. GRCh37 (hg19) VCF-style: chr5-74990496-A-G.
Other names: c.599T>C, p.Ile200Thr (NM_152408.3); short protein forms I200T, I225T.
Identifiers: ClinVar variation 2086124 (VCV002086124.4), dbSNP rs773455229, ClinGen allele CA3310523.